The following is an entry in ClinVar:

NC_000016.9:g.(?_1507235)_(1576817_?)dup

Genes: CLCN7 (chloride voltage-gated channel 7; minus strand), IFT140 (intraflagellar transport 140; minus strand), PTX4 (pentraxin 4; minus strand), TELO2 (telomere maintenance 2; plus strand). Cytogenetic location: 16p13.3.
Variant type: Duplication.
Identifiers: ClinVar variation 1487347 (VCV001487347.5).

ClinVar aggregate classification (germline): Uncertain significance (1 of 4 stars; one submission).

Submission:

Labcorp Genetics (formerly Invitae), Labcorp
Classification: Uncertain significance. Last evaluated: 2022-01-28. Review status: criteria provided, single submitter. Criteria: Invitae Variant Classification Sherloc (09022015). Collection method: clinical testing. Allele origin: germline.
Comment: In summary, the available evidence is currently insufficient to determine the role of this variant in disease. Therefore, it has been classified as a Variant of Uncertain Significance. This variant has not been reported in the literature in individuals affected with CLCN7-related conditions. This variant results in a copy number gain of the genomic region encompassing exon(s) 1-9 of the CLCN7 gene. This region includes the initiator codon of the gene. This copy number gain extends beyond the assayed region for this gene and therefore may encompass additional genes. As the precise location of this event is unknown, it may be in tandem or it may be located elsewhere in the genome.